The following is an entry in ClinVar:

ClinVar aggregate classification (germline): Conflicting classifications of pathogenicity. Review status: criteria provided, conflicting classifications (1 of 4 stars). 16 submissions from 12 submitters: Uncertain significance (2); Benign (7); Likely benign (4). 3 of the submissions do not count toward it. Last evaluated 2026-09-01.

Conditions:
Acute rhabdomyolysis. Identifiers: MedGen C3807306, HP:0008942.
Hypokalemic periodic paralysis, type 2 (HOKPP2). Identifiers: Orphanet 681, MedGen C2750061, MONDO:0013234, OMIM 613345.
Hyperkalemic periodic paralysis. Also called: Familial hyperkalemic periodic paralysis; Gamstorp disease. Identifiers: Orphanet 682, MedGen C0238357, MONDO:0008224, OMIM 170500, HP:0007215.
Congenital myasthenic syndrome 16. Identifiers: Orphanet 590, MedGen C3280112, MONDO:0013620, OMIM 614198.
Paramyotonia congenita of Von Eulenburg. Also called: Paramyotonia Congenita; Eulenburg disease; Myotonia congenita intermittens; Von Eulenburg paramyotonia congenita; PARALYSIS PERIODICA PARAMYOTONICA. Identifiers: Orphanet 684, MedGen C0221055, MONDO:0008195, OMIM 168300. Disease mechanism: loss of function.
Potassium-aggravated myotonia. Also called: SODIUM CHANNEL MUSCLE DISEASE; MYOTONIA CONGENITA, ACETAZOLAMIDE-RESPONSIVE; MYOTONIA CONGENITA, ATYPICAL; Myotonia congenita, atypical, acetazolamide-responsive. Identifiers: Orphanet 612, Orphanet 99734, Orphanet 99735, Orphanet 99736, MedGen C2931826, MONDO:0018959, OMIM 608390.

Allele frequency attached by ClinVar (database versions not stated): ESP Exome Variant Server 0.00174; gnomAD 0.00212 and 0.00204; gnomAD exomes 0.00244; 1000 Genomes Project 0.00100; TOPMed 0.00107; 1000 Genomes Project 30x 0.00109; ExAC 0.00269.

Submissions (16):

CeGaT Center for Human Genetics Tuebingen
Classification: Likely benign. Last evaluated: 2026-09-01. Review status: criteria provided, single submitter. Criteria: CeGaT Center For Human Genetics Tuebingen Variant Classification Criteria Version 2. Collection method: clinical testing. Allele origin: germline. Affected: yes. Observed: 5 variant alleles.
Comment: SCN4A: BP4, BS2

NHS Central & South Genomic Laboratory Hub
Classification: Uncertain significance for Acute Rhabdomyolysis. Last evaluated: 2026-04-22. Review status: criteria provided, single submitter. Criteria: ACMG Guidelines, 2015. Collection method: clinical testing. Allele origin: germline. Affected: yes.

Labcorp Genetics (formerly Invitae), Labcorp
Classification: Benign for Hyperkalemic periodic paralysis. Last evaluated: 2026-02-01. Review status: criteria provided, single submitter. Criteria: Invitae Variant Classification Sherloc (09022015). Collection method: clinical testing. Allele origin: germline.

Athena Diagnostics
Classification: Benign. Last evaluated: 2025-10-23. Review status: criteria provided, single submitter. Criteria: Athena Diagnostics Criteria. Collection method: clinical testing. Allele origin: unknown.
Comment: The frequency of this variant in the general population is higher than would generally be expected for pathogenic variants in this gene.

Blueprint Genetics
Classification: Likely benign. Last evaluated: 2024-11-26. Review status: criteria provided, single submitter. Criteria: ACMG Guidelines, 2015. Collection method: clinical testing. Allele origin: germline.

Mayo Clinic Laboratories, Mayo Clinic
Classification: Benign. Last evaluated: 2019-04-16. Review status: criteria provided, single submitter. Criteria: ACMG Guidelines, 2015. Collection method: clinical testing. Allele origin: germline. Observed: 6 variant alleles.

Illumina Laboratory Services, Illumina
Classification: Uncertain significance for Congenital myasthenic syndrome 16. Last evaluated: 2018-01-13. Review status: criteria provided, single submitter. Criteria: ICSL Variant Classification Criteria 13 December 2019. Collection method: clinical testing. Allele origin: germline.

Illumina Laboratory Services, Illumina
Classification: Benign for Hyperkalemic periodic paralysis. Last evaluated: 2018-01-13. Review status: criteria provided, single submitter. Criteria: ICSL Variant Classification Criteria 13 December 2019. Collection method: clinical testing. Allele origin: germline.
Comment: This variant was observed in the ICSL laboratory as part of a predisposition screen in an ostensibly healthy population. It had not been previously curated by ICSL or reported in the Human Gene Mutation Database (HGMD: prior to June 1st, 2018), and was therefore a candidate for classification through an automated scoring system. Utilizing variant allele frequency, disease prevalence and penetrance estimates, and inheritance mode, an automated score was calculated to assess if this variant is too frequent to cause the disease. Based on the score and internal cut-off values, a variant classified as benign is not then subjected to further curation. The score for this variant resulted in a classification of benign for this disease.

Illumina Laboratory Services, Illumina
Classification: Benign for Hypokalemic periodic paralysis, type 2. Last evaluated: 2018-01-13. Review status: criteria provided, single submitter. Criteria: ICSL Variant Classification Criteria 13 December 2019. Collection method: clinical testing. Allele origin: germline.
Comment: the same text as in the submission from Illumina Laboratory Services, Illumina above.

Illumina Laboratory Services, Illumina
Classification: Benign for Paramyotonia congenita of Von Eulenburg. Last evaluated: 2018-01-13. Review status: criteria provided, single submitter. Criteria: ICSL Variant Classification Criteria 13 December 2019. Collection method: clinical testing. Allele origin: germline.
Comment: the same text as in the submission from Illumina Laboratory Services, Illumina above.

Illumina Laboratory Services, Illumina
Classification: Benign for Potassium-aggravated myotonia. Last evaluated: 2018-01-13. Review status: criteria provided, single submitter. Criteria: ICSL Variant Classification Criteria 13 December 2019. Collection method: clinical testing. Allele origin: germline.
Comment: the same text as in the submission from Illumina Laboratory Services, Illumina above.

GeneDx
Classification: Likely benign. Last evaluated: 2016-09-22. Review status: criteria provided, single submitter. Criteria: GeneDx Variant Classification (06012015). Collection method: clinical testing. Allele origin: germline. Affected: yes.
Comment: This variant is considered likely benign or benign based on one or more of the following criteria: it is a conservative change, it occurs at a poorly conserved position in the protein, it is predicted to be benign by multiple in silico algorithms, and/or has population frequency not consistent with disease.

PreventionGenetics, part of Exact Sciences
Classification: Likely benign. Review status: criteria provided, single submitter. Criteria: ACMG Guidelines, 2015. Collection method: clinical testing. Allele origin: germline.

Genome Diagnostics Laboratory, University Medical Center Utrecht
Classification: Likely benign. Review status: no assertion criteria provided. Collection method: clinical testing. Allele origin: germline. Affected: yes. Study: VKGL Data-share Consensus. Not counted in ClinVar's aggregate classification.

Joint Genome Diagnostic Labs from Nijmegen and Maastricht, Radboudumc and MUMC+
Classification: Benign. Review status: no assertion criteria provided. Collection method: clinical testing. Allele origin: germline. Affected: yes. Study: VKGL Data-share Consensus. Not counted in ClinVar's aggregate classification.

Laboratory of Diagnostic Genome Analysis, Leiden University Medical Center (LUMC)
Classification: Likely benign. Review status: no assertion criteria provided. Collection method: clinical testing. Allele origin: germline. Affected: yes. Study: VKGL Data-share Consensus. Not counted in ClinVar's aggregate classification.

NM_000334.4(SCN4A):c.1100+7G>A

Gene: SCN4A (sodium voltage-gated channel alpha subunit 4; minus strand). Cytogenetic location: 17q23.3.
Variant type: single nucleotide variant.
Coding change: c.1100+7G>A on transcript NM_000334.4 (MANE Select); 7 bases into the intron after coding-DNA position 1100, G replaced by A.
Molecular consequence: intron variant.
Genome position (GRCh38, 1-based): chr17:63,966,474, C>T on the plus strand (G>A on the coding strand, the complement: SCN4A is on the minus strand). VCF-style: chr17-63966474-C-T. GRCh37 (hg19) VCF-style: chr17-62043834-C-T.
Other names: p.?.
Identifiers: ClinVar variation 255842 (VCV000255842.65), dbSNP rs200770684, ClinGen allele CA8709939.